The following is an entry in ClinVar:

ClinVar aggregate classification (germline): Uncertain significance (1 of 4 stars; one submission).

Conditions:
Nephronophthisis. Also called: Juvenile Nephronophthisis. Identifiers: Orphanet 655, MedGen C0687120, MONDO:0019005, HP:0000090.

Allele frequency attached by ClinVar (database versions not stated): gnomAD exomes below 0.00001; TOPMed below 0.00001; ESP Exome Variant Server 0.00008.
gnomAD v4.1: 10 of 1,613,732 alleles (0.00062%); highest among the groups gnomAD compares: Non-Finnish European, 0.00085%; no homozygotes.

Submission:

Labcorp Genetics (formerly Invitae), Labcorp
Classification: Uncertain significance for Nephronophthisis. Last evaluated: 2020-07-10. Review status: criteria provided, single submitter. Criteria: Invitae Variant Classification Sherloc (09022015). Collection method: clinical testing. Allele origin: germline.
Comment: In summary, the available evidence is currently insufficient to determine the role of this variant in disease. Therefore, it has been classified as a Variant of Uncertain Significance. Algorithms developed to predict the effect of sequence changes on RNA splicing suggest that this variant may create or strengthen a splice site, but this prediction has not been confirmed by published transcriptional studies. Algorithms developed to predict the effect of missense changes on protein structure and function are either unavailable or do not agree on the potential impact of this missense change (SIFT: "Deleterious"; PolyPhen-2: "Benign"; Align-GVGD: "Class C0"). This variant has not been reported in the literature in individuals with NPHP4-related conditions. This variant is not present in population databases (ExAC no frequency). This sequence change replaces aspartic acid with glycine at codon 311 of the NPHP4 protein (p.Asp311Gly). The aspartic acid residue is moderately conserved and there is a moderate physicochemical difference between aspartic acid and glycine.

NM_015102.5(NPHP4):c.932A>G (p.Asp311Gly)

Gene: NPHP4 (nephrocystin 4; minus strand). Cytogenetic location: 1p36.31.
Variant type: single nucleotide variant.
Coding change: c.932A>G on transcript NM_015102.5 (MANE Select); coding-DNA position 932, A replaced by G.
Protein change: p.Asp311Gly; replaces aspartic acid 311 with glycine.
Molecular consequence: missense variant. On other transcripts: 5 prime UTR variant (2), non-coding transcript variant (1).
Genome position (GRCh38, 1-based): chr1:5,948,130, T>C on the plus strand (A>G on the coding strand, the complement: NPHP4 is on the minus strand). VCF-style: chr1-5948130-T-C. GRCh37 (hg19) VCF-style: chr1-6008190-T-C.
Other names: c.-435A>G (NM_001291593.2, NM_001291594.2); short protein forms D311G.
Identifiers: ClinVar variation 1061594 (VCV001061594.9), dbSNP rs371217093, ClinGen allele CA17156872.
Genomic context (GRCh38, chr1:5,948,130, plus strand): 5'-CTGGTCTTGGAAGAGGAGACCACTTTCCTGCTGAAGCTAGCTGAGCGCGTCAAGGCCACA[T>C]CCATCTCAGGCACCAGTACAACGACCTGCGGCCTCTGCACGAAGCCCAGACCATTGTGCA-3'
Protein context (NP_055917.1, residues 301-321): PQVVVLVPEM[Asp311Gly]VALTRSASFS